The following is an entry in ClinVar:

ClinVar aggregate classification (germline): Uncertain significance (1 of 4 stars; one submission).

Submission:

GeneDx
Classification: Uncertain significance. Last evaluated: 2023-12-20. Review status: criteria provided, single submitter. Criteria: GeneDx Variant Classification Process June 2021. Collection method: clinical testing. Allele origin: germline. Affected: yes.
Comment: Not observed at significant frequency in large population cohorts (gnomAD); Nucleotide is not conserved across species and the substitution has no predicted effect on splicing; Has not been previously published as pathogenic or benign to our knowledge

NM_001289127.2(TUBB4A):c.34-15C>G

Genes: TUBB4A (tubulin beta 4A class IVa; minus strand), LOC130063296 (ATAC-STARR-seq lymphoblastoid silent region 9956; plus strand). Cytogenetic location: 19p13.3.
Variant type: single nucleotide variant.
Coding change: c.34-15C>G on transcript NM_001289127.2; 15 bases into the intron before coding-DNA position 34, C replaced by G.
Molecular consequence: intron variant. On other transcripts: missense variant (1).
Genome position (GRCh38, 1-based): chr19:6,502,329, G>C on the plus strand (C>G on the coding strand, the complement: TUBB4A is on the minus strand). VCF-style: chr19-6502329-G-C. GRCh37 (hg19) VCF-style: chr19-6502340-G-C.
Other names: c.37C>G, p.Leu13Val (NM_001289123.2); c.-50-67C>G (NM_001289129.2); short protein forms L13V.
Identifiers: ClinVar variation 3370133 (VCV003370133.1).
Genomic context (GRCh38, chr19:6,502,329, plus strand): 5'-CGGCGGCGAGGGTGGAAGATGCGGCGGAGACGGCGGAGCACGGTCCCTGCGCCCCCGGGA[G>C]CCGCTATATGAGCGGGCGGGGCACGCGTCACGGCCGGTCACCCTCCCGCTCCGCCCCTTG-3'